The following is an entry in ClinVar:

NM_000021.4(PSEN1):c.768T>C (p.Tyr256=)

Gene: PSEN1 (presenilin 1; plus strand). Cytogenetic location: 14q24.2.
Variant type: single nucleotide variant.
Coding change: c.768T>C on transcript NM_000021.4 (MANE Select); coding-DNA position 768, T replaced by C.
Protein change: p.Tyr256=; no amino-acid change (tyrosine 256 retained).
Molecular consequence: synonymous variant.
Genome position (GRCh38, 1-based): chr14:73,192,863, T>C. VCF-style: chr14-73192863-T-C. GRCh37 (hg19) VCF-style: chr14-73659571-T-C.
Other names: c.756T>C, p.Tyr252= (NM_007318.3).
Identifiers: ClinVar variation 2141331 (VCV002141331.4), dbSNP rs995701621, ClinGen allele CA262609613.

ClinVar aggregate classification (germline): Uncertain significance (1 of 4 stars; one submission).

Conditions:
Alzheimer disease 3 (AD3). Also called: ALZHEIMER DISEASE, FAMILIAL, 3. Identifiers: Orphanet 1020, MedGen C1843013, MONDO:0011913, OMIM 607822.
Acne inversa, familial, 3 (ACNINV3). Identifiers: MedGen C3151038, MONDO:0013398, OMIM 613737.
Pick disease. Also called: DEMENTIA WITH LOBAR ATROPHY AND NEURONAL CYTOPLASMIC INCLUSIONS; LOBAR ATROPHY OF BRAIN; PICK DISEASE OF BRAIN; Pick's disease; Pick Disease of the Brain. Identifiers: Orphanet 282, MedGen C0236642, MONDO:0008243, OMIM 172700.
Frontotemporal dementia (FTD1). Also called: Frontotemporal lobe dementia (FLDEM); WILHELMSEN-LYNCH DISEASE; MULTIPLE SYSTEM TAUOPATHY WITH PRESENILE DEMENTIA; Frontotemporal Dementia with Parkinsonism-17 (FTDP-17); FRONTOTEMPORAL LOBAR DEGENERATION WITH TAU INCLUSIONS; FTLD WITH TAU INCLUSIONS. Identifiers: Orphanet 282, MedGen C0338451, MONDO:0017276, OMIM 600274, HP:0002145.

Allele frequency attached by ClinVar (database versions not stated): TOPMed below 0.00001; gnomAD exomes 0.00001.
gnomAD v4.1: 10 of 1,602,800 alleles (0.00062%); highest among the groups gnomAD compares: Non-Finnish European, 0.00077%; no homozygotes.

Submission:

Labcorp Genetics (formerly Invitae), Labcorp
Classification: Uncertain significance for Alzheimer disease 3; Pick disease; Acne inversa, familial, 3; Frontotemporal dementia. Last evaluated: 2022-03-11. Review status: criteria provided, single submitter. Criteria: Invitae Variant Classification Sherloc (09022015). Collection method: clinical testing. Allele origin: germline.
Comment: This variant has not been reported in the literature in individuals affected with PSEN1-related conditions. In summary, the available evidence is currently insufficient to determine the role of this variant in disease. Therefore, it has been classified as a Variant of Uncertain Significance. Algorithms developed to predict the effect of sequence changes on RNA splicing suggest that this variant is not likely to affect RNA splicing. This variant is present in population databases (no rsID available, gnomAD 0.0009%). This sequence change affects codon 256 of the PSEN1 mRNA. It is a 'silent' change, meaning that it does not change the encoded amino acid sequence of the PSEN1 protein. It affects a nucleotide within the consensus splice site.